The following is an entry in ClinVar:

NM_001379403.1(WDR26):c.1039dup (p.Thr347fs)

Gene: WDR26 (WD repeat domain 26; minus strand). Cytogenetic location: 1q42.12.
Variant type: Duplication.
Coding change: c.1039dup on transcript NM_001379403.1 (MANE Select); coding-DNA position 1039, one base duplicated (A; older notation c.1039dupA).
Protein change: p.Thr347fs; shifts the reading frame from threonine 347.
Molecular consequence: frameshift variant.
Genome position (GRCh38, 1-based): chr1:224,424,543, T duplicated on the plus strand (A on the coding strand, the reverse complement: WDR26 is on the minus strand). VCF-style (leftmost placement, unchanged base first): chr1-224424542-G-GT. GRCh37 (hg19) VCF-style: chr1-224612244-G-GT.
Other names: c.691dup, p.Thr231fs (NM_001115113.3); c.739dup, p.Thr247fs (NM_025160.7); short protein forms T231fs, T247fs, T347fs.
Identifiers: ClinVar variation 3062076 (VCV003062076.1), dbSNP rs2464762597, ClinGen allele CA2740092618.

ClinVar aggregate classification (germline): Pathogenic (1 of 4 stars; one submission).

Conditions:
Skraban-Deardorff syndrome. Also called: WDR26-Related Intellectual Disability; INTELLECTUAL DISABILITY WITH SEIZURES, ABNORMAL GAIT, AND DISTINCTIVE FACIAL FEATURES. Identifiers: Orphanet 513456, MedGen C4539927, MONDO:0054636, OMIM 617616.

Submission:

Illumina Laboratory Services, Illumina
Classification: Pathogenic for Skraban-Deardorff syndrome. Last evaluated: 2020-03-13. Review status: criteria provided, single submitter. Criteria: ICSLVariantClassificationCriteria RUGD 01 April 2020. Collection method: clinical testing. Allele origin: unknown.
Comment: The WDR26 c.739dupA (p.Thr247AsnfsTer8) variant results in a frameshift and is predicted to result in a premature truncation of the protein. A literature search was performed for the gene, cDNA change, and amino acid change. No publications were found based on this search. This variant is not found in the Genome Aggregation Database in a region of good sequencing coverage, so the variant is presumed to be rare. Based on the predicted truncating nature of the variant, its rarity, and identification in a de novo state, the p.Thr247AsnfsTer8 variant is classified as pathogenic for Skraban-Deardorff syndrome.